The following is an entry in ClinVar:

ClinVar aggregate classification (germline): Uncertain significance (1 of 4 stars; one submission).

gnomAD v4.1: 7 of 1,614,006 alleles (0.00043%); highest among the groups gnomAD compares: South Asian, 0.0011%; no homozygotes.

Submission:

CeGaT Center for Human Genetics Tuebingen
Classification: Uncertain significance. Last evaluated: 2023-05-01. Review status: criteria provided, single submitter. Criteria: CeGaT Center For Human Genetics Tuebingen Variant Classification Criteria Version 2. Collection method: clinical testing. Allele origin: germline. Affected: yes. Observed: 1 variant allele.
Comment: FDFT1: PM2, PP3

NM_004462.5(FDFT1):c.129C>G (p.Cys43Trp)

Gene: FDFT1 (farnesyl-diphosphate farnesyltransferase 1). Cytogenetic location: 8p23.1.
Variant type: single nucleotide variant.
Coding change: c.129C>G on transcript NM_004462.5 (MANE Select); coding-DNA position 129, C replaced by G.
Protein change: p.Cys43Trp; replaces cysteine 43 with tryptophan.
Molecular consequence: missense variant. On other transcripts: 5 prime UTR variant (3), intron variant (1).
Genome position (GRCh38, 1-based): chr8:11,808,823, C>G. VCF-style: chr8-11808823-C-G. GRCh37 (hg19) VCF-style: chr8-11666332-C-G.
Other names: c.129C>G, p.Cys43Trp (NM_001287742.2, NM_001287743.2); c.-64C>G (NM_001287744.2, NM_001287745.2, NM_001287747.2 and 2 more transcripts); c.306C>G, p.Cys102Trp (NM_001287750.2); c.64+5913C>G (NM_001287756.2); short protein forms C102W, C43W.
Identifiers: ClinVar variation 1299105 (VCV001299105.35), dbSNP rs765417792, ClinGen allele CA370318216.